The following is an entry in ClinVar:

ClinVar aggregate classification (germline): Pathogenic/Likely pathogenic. Review status: criteria provided, multiple submitters, no conflicts (2 of 4 stars). 3 submissions from 3 submitters: Pathogenic (1); Likely pathogenic (2). Last evaluated 2024-06-11.

Conditions:
Infantile neuroaxonal dystrophy (NBIA2A). Also called: Infantile neuroaxonal dystrophy 1; NEURODEGENERATION WITH BRAIN IRON ACCUMULATION 2A; SEITELBERGER DISEASE. Identifiers: Orphanet 35069, MedGen C0270724, MONDO:0024457, OMIM 256600.
Autosomal recessive Parkinson disease 14. Also called: DYSTONIA-PARKINSONISM, ADULT-ONSET; PARKINSON DISEASE 14. Identifiers: Orphanet 199351, MedGen C2751842, MONDO:0013060, OMIM 612953.
Neurodegeneration with brain iron accumulation 2B. Also called: NEUROAXONAL DYSTROPHY, ATYPICAL; NEURODEGENERATION WITH BRAIN IRON ACCUMULATION, PLA2G6-RELATED; aNAD; atypical Neuroaxonal Dystrophy (aNAD). Identifiers: Orphanet 35069, MedGen C1857747, MONDO:0012444, OMIM 610217.
Neurodegeneration with brain iron accumulation (NBIA). Identifiers: Orphanet 385, MedGen C2931845, MONDO:0018307.

Allele frequency attached by ClinVar (database versions not stated): gnomAD exomes 0.00001; TOPMed below 0.00001.
gnomAD v4.1: 10 of 1,613,966 alleles (0.00062%); highest among the groups gnomAD compares: Non-Finnish European, 0.00085%; no homozygotes.

Submissions (4):

Fulgent Genetics
Classification: Pathogenic for Infantile neuroaxonal dystrophy; Neurodegeneration with brain iron accumulation 2B; Autosomal recessive Parkinson disease 14. Last evaluated: 2024-06-11. Review status: criteria provided, single submitter. Criteria: ACMG Guidelines, 2015. Collection method: clinical testing. Allele origin: germline.

Labcorp Genetics (formerly Invitae), Labcorp
Classification: Likely pathogenic for Infantile neuroaxonal dystrophy. Last evaluated: 2024-01-20. Review status: criteria provided, single submitter. Criteria: Invitae Variant Classification Sherloc (09022015). Collection method: clinical testing. Allele origin: germline.
Comment: This sequence change affects an acceptor splice site in intron 12 of the PLA2G6 gene. It is expected to disrupt RNA splicing. Variants that disrupt the donor or acceptor splice site typically lead to a loss of protein function (PMID: 16199547), and loss-of-function variants in PLA2G6 are known to be pathogenic (PMID: 16783378, 18570303, 18799783, 22213678). This variant is not present in population databases (gnomAD no frequency). This variant has not been reported in the literature in individuals affected with PLA2G6-related conditions. ClinVar contains an entry for this variant (Variation ID: 2501145). Algorithms developed to predict the effect of sequence changes on RNA splicing suggest that this variant may disrupt the consensus splice site. In summary, the currently available evidence indicates that the variant is pathogenic, but additional data are needed to prove that conclusively. Therefore, this variant has been classified as Likely Pathogenic.

Women's Health and Genetics/Laboratory Corporation of America, LabCorp
Classification: Likely pathogenic for Neurodegeneration with brain iron accumulation. Last evaluated: 2023-03-29. Review status: criteria provided, single submitter. Criteria: LabCorp Variant Classification Summary - May 2015. Collection method: clinical testing. Allele origin: germline.
Comment: Variant summary: PLA2G6 c.1743-2A>G is located in a canonical splice-site and is predicted to affect mRNA splicing resulting in a significantly altered protein due to either exon skipping, shortening, or inclusion of intronic material. One in silico prediction tool scores the variant as possibly damaging. However, these predictions have yet to be confirmed by functional studies. The variant was absent in 251116 control chromosomes. To our knowledge, no occurrence of c.1743-2A>G in individuals affected with Neurodegeneration With Brain Iron Accumulation and no experimental evidence demonstrating its impact on protein function have been reported. Although a variant disrupting the same splice site, c.1743-1G>T, has been classified as pathogenic in ClinVar and reported in the literature in two compound heterozygous children with infantile neuroaxonal dystrophy (PMID: 31506141 and HGMD database). No clinical diagnostic laboratories have submitted clinical-significance assessments for this variant to ClinVar after 2014. Based on the evidence outlined above, the variant was classified as likely pathogenic.

Dr. Peter K. Rogan Lab, Western University
No classification provided (evidence only). Condition: Papillary renal cell carcinoma type 1. Review status: no classification provided. Collection method: in vitro. Allele origin: not applicable. Functional consequence: retained intron. Not counted in ClinVar's aggregate classification.

Literature cited by the submitters: PubMed 16199547 (cited by Labcorp Genetics (formerly Invitae), Labcorp); PubMed 16783378 (cited by Labcorp Genetics (formerly Invitae), Labcorp); PubMed 18570303 (cited by Labcorp Genetics (formerly Invitae), Labcorp); PubMed 18799783 (cited by Labcorp Genetics (formerly Invitae), Labcorp); PubMed 22213678 (cited by Labcorp Genetics (formerly Invitae), Labcorp).

NM_003560.4(PLA2G6):c.1743-2A>G

Gene: PLA2G6 (phospholipase A2 group VI; minus strand). Cytogenetic location: 22q13.1.
Variant type: single nucleotide variant.
Coding change: c.1743-2A>G on transcript NM_003560.4 (MANE Select); the canonical splice acceptor site of the intron before coding-DNA position 1743, A replaced by G.
Molecular consequence: splice acceptor variant.
Genome position (GRCh38, 1-based): chr22:38,116,213, T>C on the plus strand (A>G on the coding strand, the complement: PLA2G6 is on the minus strand). VCF-style: chr22-38116213-T-C. GRCh37 (hg19) VCF-style: chr22-38512220-T-C.
Other names: c.1065-2A>G (NM_001349868.2); c.1581-2A>G (NM_001349866.2, NM_001199562.3, NM_001349865.2 and 1 more transcripts); c.1047-2A>G (NM_001349869.2); c.1209-2A>G (NM_001349867.2); c.1743-2A>G (NM_001349864.2).
Identifiers: ClinVar variation 2501145 (VCV002501145.6), dbSNP rs2087184707, ClinGen allele CA411525858.